The following is an entry in ClinVar:

ClinVar aggregate classification (germline): Uncertain significance (1 of 4 stars; one submission).

Submission:

GeneDx
Classification: Uncertain significance. Last evaluated: 2024-12-05. Review status: criteria provided, single submitter. Criteria: GeneDx Variant Classification Process June 2021. Collection method: clinical testing. Allele origin: germline. Affected: yes.
Comment: Intronic +5 splice site variant in a gene for which loss of function is a known mechanism of disease, and both splice predictors and evolutionary conservation support a deleterious effect, although in the absence of functional evidence the actual effect of this sequence change is unknown.; Has not been previously published as pathogenic or benign to our knowledge; Not observed at significant frequency in large population cohorts (gnomAD)

NM_002317.7(LOX):c.878+5G>A

Genes: LOX (lysyl oxidase; minus strand), SRFBP1 (serum response factor binding protein 1; plus strand). Cytogenetic location: 5q23.1.
Variant type: single nucleotide variant.
Coding change: c.878+5G>A on transcript NM_002317.7 (MANE Select); 5 bases into the intron after coding-DNA position 878, G replaced by A.
Molecular consequence: intron variant.
Genome position (GRCh38, 1-based): chr5:122,075,399, C>T on the plus strand (G>A on the coding strand, the complement: LOX is on the minus strand). VCF-style: chr5-122075399-C-T. GRCh37 (hg19) VCF-style: chr5-121411094-C-T.
Other names: c.188+5G>A (NM_001178102.2); c.-14+5G>A (NM_001317073.1).
Identifiers: ClinVar variation 3901297 (VCV003901297.1).
Genomic context (GRCh38, chr5:122,075,399, plus strand): 5'-GATATCAAAAATCACCTGAGAAATGAAAAGCAACCCAAAAGTACCCAGGAGGCCCATTTA[C>T]TTACTGATGACAACTGTGCCATTCCCAGGAATATCTTGGTCGGCTGGGTAAGAAATCTGA-3'